The following is an entry in ClinVar:

NM_002291.3(LAMB1):c.145A>G (p.Lys49Glu)

Gene: LAMB1 (laminin subunit beta 1; minus strand). Cytogenetic location: 7q31.1.
Variant type: single nucleotide variant.
Coding change: c.145A>G on transcript NM_002291.3 (MANE Select); coding-DNA position 145, A replaced by G.
Protein change: p.Lys49Glu; replaces lysine 49 with glutamic acid.
Molecular consequence: missense variant.
Genome position (GRCh38, 1-based): chr7:108,001,626, T>C on the plus strand (A>G on the coding strand, the complement: LAMB1 is on the minus strand). VCF-style: chr7-108001626-T-C. GRCh37 (hg19) VCF-style: chr7-107642071-T-C.
Other names: short protein forms K49E.
Identifiers: ClinVar variation 1315310 (VCV001315310.5), dbSNP rs767769822, ClinGen allele CA4436393.
Genomic context (GRCh38, chr7:108,001,626, plus strand): 5'-GGCTGACGATACAGTAGGGTTCGGGCTTGTGCAGCCCGCACGTCGAGGTCACCGAAAGCT[T>C]CTGTGCTCGGCCGATGAGAAGGTCGCCCGTGGCGGGATAGCAGCTGCCTTCTGCGCAGCC-3'
Protein context (NP_002282.2, residues 39-59): TGDLLIGRAQ[Lys49Glu]LSVTSTCGLH

ClinVar aggregate classification (germline): Uncertain significance. Review status: criteria provided, multiple submitters, no conflicts (2 of 4 stars). 3 submissions from 3 submitters: Uncertain significance (3). Last evaluated 2025-09-02.

Conditions:
Inborn genetic diseases. Identifiers: MedGen C0950123, MeSH D030342.

Allele frequency attached by ClinVar (database versions not stated): gnomAD exomes 0.00003 and 0.00007; ExAC 0.00005; gnomAD 0.00007 and 0.00009; TOPMed 0.00019.
gnomAD v4.1: 37 of 1,613,118 alleles (0.0023%); highest among the groups gnomAD compares: Admixed American, 0.038%; no homozygotes.

Submissions (3):

Labcorp Genetics (formerly Invitae), Labcorp
Classification: Uncertain significance. Last evaluated: 2025-09-02. Review status: criteria provided, single submitter. Criteria: Invitae Variant Classification Sherloc (09022015). Collection method: clinical testing. Allele origin: germline.
Comment: This sequence change replaces lysine, which is basic and polar, with glutamic acid, which is acidic and polar, at codon 49 of the LAMB1 protein (p.Lys49Glu). This variant is present in population databases (rs767769822, gnomAD 0.03%). This variant has not been reported in the literature in individuals affected with LAMB1-related conditions. ClinVar contains an entry for this variant (Variation ID: 1315310). An algorithm developed to predict the effect of missense changes on protein structure and function (PolyPhen-2) suggests that this variant is likely to be tolerated. In summary, the available evidence is currently insufficient to determine the role of this variant in disease. Therefore, it has been classified as a Variant of Uncertain Significance.

Ambry Genetics
Classification: Uncertain significance for Inborn genetic diseases. Last evaluated: 2024-03-15. Review status: criteria provided, single submitter. Criteria: Ambry Variant Classification Scheme 2023. Collection method: clinical testing. Allele origin: germline.

GeneDx
Classification: Uncertain significance. Last evaluated: 2020-02-11. Review status: criteria provided, single submitter. Criteria: GeneDx Variant Classification Process June 2021. Collection method: clinical testing. Allele origin: germline. Affected: yes.
Comment: In silico analysis supports that this missense variant does not alter protein structure/function; Has not been previously published as pathogenic or benign to our knowledge